The following is an entry in ClinVar:

NM_001048174.2(MUTYH):c.1154A>T (p.Glu385Val)

Gene: MUTYH (mutY DNA glycosylase; minus strand). Cytogenetic location: 1p34.1.
Variant type: single nucleotide variant.
Coding change: c.1154A>T on transcript NM_001048174.2 (MANE Select); coding-DNA position 1154, A replaced by T.
Protein change: p.Glu385Val; replaces glutamic acid 385 with valine.
Molecular consequence: missense variant. On other transcripts: non-coding transcript variant (7).
Genome position (GRCh38, 1-based): chr1:45,331,505, T>A on the plus strand (A>T on the coding strand, the complement: MUTYH is on the minus strand). VCF-style: chr1-45331505-T-A. GRCh37 (hg19) VCF-style: chr1-45797177-T-A.
Other names: c.1187A>T, p.Glu396Val (NM_001293191.2, NM_001407069.1, NM_001407077.1); c.878A>T, p.Glu293Val (NM_001293192.2, NM_001293196.2, NM_001407091.1); c.1154A>T, p.Glu385Val (NM_001293195.2, NM_001407070.1, NM_001407088.1 and 6 more transcripts); c.809A>T, p.Glu270Val (NM_001350650.2, NM_001350651.2, NM_001407082.1); c.1157A>T, p.Glu386Val (NM_001407071.1, NM_001407086.1, NM_001048172.2 and 1 more transcripts); c.1196A>T, p.Glu399Val (NM_001407085.1, NM_001407083.1); c.1175A>T, p.Glu392Val (NM_001407087.1); c.1229A>T, p.Glu410Val (NM_012222.3); and 5 more; short protein forms E293V, E371V, E396V, E357V, E392V, E400V, E413V, E270V.
Identifiers: ClinVar variation 4113116 (VCV004113116.1).
Genomic context (GRCh38, chr1:45,331,505, plus strand): 5'-GCTGGGAGGGGCCCAGCCCAACGCTGTAGTTCCTGCAGCAGGGCCTTGCGCTGAAGCTGC[T>A]CTGAGGGCTCCCAGGTCACGGACGGGAACTCCCACAGTCCTGCCAGCAGACCTGAGAGGG-3'
Protein context (NP_001041639.1, residues 375-395): EFPSVTWEPS[Glu385Val]QLQRKALLQE

ClinVar aggregate classification (germline): Uncertain significance (1 of 4 stars; one submission).

Conditions:
Hereditary cancer-predisposing syndrome. Also called: Tumor predisposition; Neoplastic Syndromes, Hereditary; Hereditary neoplastic syndrome; Hereditary Cancer Syndrome. Identifiers: Orphanet 140162, MedGen C0027672, MeSH D009386, MONDO:0015356.

Submission:

Ambry Genetics
Classification: Uncertain significance for Hereditary cancer-predisposing syndrome. Last evaluated: 2025-08-27. Review status: criteria provided, single submitter. Criteria: Ambry Variant Classification Scheme 2023. Collection method: clinical testing. Allele origin: germline.
Comment: The p.E413V variant (also known as c.1238A>T), located in coding exon 13 of the MUTYH gene, results from an A to T substitution at nucleotide position 1238. The glutamic acid at codon 413 is replaced by valine, an amino acid with dissimilar properties. This amino acid position is conserved. In addition, this alteration is predicted to be tolerated by in silico analysis. Based on the available evidence, the clinical significance of this variant remains unclear.